The following is an entry in ClinVar:

ClinVar aggregate classification (germline): Likely benign (1 of 4 stars; one submission).

Submission:

CeGaT Center for Human Genetics Tuebingen
Classification: Likely benign. Last evaluated: 2022-11-01. Review status: criteria provided, single submitter. Criteria: CeGaT Center For Human Genetics Tuebingen Variant Classification Criteria Version 2. Collection method: clinical testing. Allele origin: germline. Affected: yes. Observed: 1 variant allele.
Comment: KIF27: BP4, BP7

NM_017576.4(KIF27):c.3111G>T (p.Val1037=)

Gene: KIF27 (kinesin family member 27; minus strand). Cytogenetic location: 9q21.32.
Variant type: single nucleotide variant.
Coding change: c.3111G>T on transcript NM_017576.4 (MANE Select); coding-DNA position 3111, G replaced by T.
Protein change: p.Val1037=; no amino-acid change (valine 1037 retained).
Molecular consequence: synonymous variant. On other transcripts: intron variant (2).
Genome position (GRCh38, 1-based): chr9:83,859,195, C>A on the plus strand (G>T on the coding strand, the complement: KIF27 is on the minus strand). VCF-style: chr9-83859195-C-A. GRCh37 (hg19) VCF-style: chr9-86474110-C-A.
Other names: c.2913G>T, p.Val971= (NM_001271927.3); c.2820G>T, p.Val940= (NM_001271928.3); c.1671G>T, p.Val557= (NM_001354070.2); c.1495-5360G>T (NM_001354071.2); c.2758-5360G>T (NM_001354069.2).
Identifiers: ClinVar variation 2659279 (VCV002659279.24), dbSNP rs1157722863, ClinGen allele CA465710545.